The following is an entry in ClinVar:

NM_000372.5(TYR):c.865T>C (p.Cys289Arg)

Gene: TYR (tyrosinase; plus strand). Cytogenetic location: 11q14.3.
Variant type: single nucleotide variant.
Coding change: c.865T>C on transcript NM_000372.5 (MANE Select); coding-DNA position 865, T replaced by C.
Protein change: p.Cys289Arg; replaces cysteine 289 with arginine.
Molecular consequence: missense variant.
Genome position (GRCh38, 1-based): chr11:89,191,247, T>C. VCF-style: chr11-89191247-T-C. GRCh37 (hg19) VCF-style: chr11-88924415-T-C.
Other names: short protein forms C289R.
Identifiers: ClinVar variation 1303180 (VCV001303180.10), dbSNP rs1468041471, ClinGen allele CA382035772.

ClinVar aggregate classification (germline): Conflicting classifications of pathogenicity. Review status: criteria provided, conflicting classifications (1 of 4 stars). 4 submissions from 4 submitters: Pathogenic (2); Likely pathogenic (1); Uncertain significance (1). Last evaluated 2026-01-19.

Conditions:
Oculocutaneous albinism. Identifiers: Orphanet 55, MedGen C0078918, MONDO:0018910.
Oculocutaneous albinism type 1A (OCA1A). Also called: Albinism, oculocutaneous, type IA. Identifiers: Orphanet 352731, Orphanet 79431, MedGen C4551504, MONDO:0008745, OMIM 203100. Disease mechanism: loss of function.
Oculocutaneous albinism type 1B (OCA1B). Also called: ALBINISM, YELLOW MUTANT TYPE; YELLOW ALBINISM; ALBINISM, OCULOCUTANEOUS, TYPE IB. Identifiers: Orphanet 352731, Orphanet 352737, Orphanet 79434, MedGen C1847024, MONDO:0011749, OMIM 606952.

Allele frequency attached by ClinVar (database versions not stated): gnomAD exomes below 0.00001; gnomAD 0.00001.
gnomAD v4.1: 6 of 1,613,486 alleles (0.00037%); highest among the groups gnomAD compares: African/African-American, 0.0013%; no homozygotes.

Submissions (4):

Labcorp Genetics (formerly Invitae), Labcorp
Classification: Pathogenic. Last evaluated: 2026-01-19. Review status: criteria provided, single submitter. Criteria: Invitae Variant Classification Sherloc (09022015). Collection method: clinical testing. Allele origin: germline.
Comment: This sequence change replaces cysteine, which is neutral and slightly polar, with arginine, which is basic and polar, at codon 289 of the TYR protein (p.Cys289Arg). This variant is not present in population databases (gnomAD no frequency). This missense change has been observed in individuals with oculocutaneous albinism (PMID: 10671066, 10987646). ClinVar contains an entry for this variant (Variation ID: 1303180). Invitae Evidence Modeling of protein sequence and biophysical properties (such as structural, functional, and spatial information, amino acid conservation, physicochemical variation, residue mobility, and thermodynamic stability) indicates that this missense variant is expected to disrupt TYR protein function with a positive predictive value of 95%. This variant disrupts the p.Cys289 amino acid residue in TYR. Other variant(s) that disrupt this residue have been observed in individuals with TYR-related conditions (PMID: 13680365, 29345414), which suggests that this may be a clinically significant amino acid residue. For these reasons, this variant has been classified as Pathogenic.

GeneDx
Classification: Likely pathogenic. Last evaluated: 2025-08-20. Review status: criteria provided, single submitter. Criteria: GeneDx Variant Classification Process June 2021. Collection method: clinical testing. Allele origin: germline. Affected: yes.
Comment: Different missense changes at this residue and in nearby residues reported in the Human Gene Mutation database in association with oculocutaneous albinism, although evidence in support of pathogenicity is not available in some cases (HGMD); Not observed at significant frequency in large population cohorts (gnomAD); In silico analysis supports that this missense variant has a deleterious effect on protein structure/function; This variant is associated with the following publications: (PMID: 10671066, 10094567, 19338054, 23112997, 21749400, 25794181, 30868138, 34838614, 10987646, 33124154, 15146472, 1642278, 40428344)

Laboratory of Genetic Epidemiology, Research Centre for Medical Genetics
Classification: Uncertain significance for Oculocutaneous albinism type 1A; Oculocutaneous albinism type 1B. Last evaluated: 2025-01-01. Review status: criteria provided, single submitter. Criteria: ACMG Guidelines, 2015. Collection method: clinical testing. Allele origin: unknown. Inheritance: Autosomal recessive inheritance. Affected: yes. Observed: 1 heterozygote.
Comment: This variant has been previously reported in the literature (PMIDs: 29345414, 34838614) and is listed in gnomAD v3.1.2 with allele frequency 0.000006 (1/152050). The affected amino acid position is evolutionarily conserved and located in highly conservative C-residue, multiple in silico prediction tools support a deleterious effect. Taken together, the variant meets the following ACMG/AMP criteria and can be classified as uncertain significance with PM2, PP3, PP5, PP4 criteria.

Women's Health and Genetics/Laboratory Corporation of America, LabCorp
Classification: Pathogenic for Oculocutaneous albinism. Last evaluated: 2024-12-02. Review status: criteria provided, single submitter. Criteria: LabCorp Variant Classification Summary - May 2015. Collection method: clinical testing. Allele origin: germline.
Comment: Variant summary: TYR c.865T>C (p.Cys289Arg) results in a non-conservative amino acid change located in the Common central domain of tyrosinase (IPR002227) of the encoded protein sequence. Five of five in-silico tools predict a damaging effect of the variant on protein function. The variant was absent in 251240 control chromosomes. c.865T>C has been reported in the literature in multiple compound heterozygous and homozygous individuals affected with Oculocutaneous Albinism (Passmore_1999, Wei_2022). These data indicate that the variant is very likely to be associated with disease. To our knowledge, no experimental evidence demonstrating an impact on protein function has been reported. The following publications have been ascertained in the context of this evaluation (PMID: 10671066, 10987646, 34838614). ClinVar contains an entry for this variant (Variation ID: 1303180). Based on the evidence outlined above, the variant was classified as pathogenic.

Literature cited by the submitters: PubMed 10671066 (cited by Labcorp Genetics (formerly Invitae), Labcorp and Women's Health and Genetics/Laboratory Corporation of America, LabCorp); PubMed 10987646 (cited by Labcorp Genetics (formerly Invitae), Labcorp and Women's Health and Genetics/Laboratory Corporation of America, LabCorp); PubMed 13680365 (cited by Labcorp Genetics (formerly Invitae), Labcorp); PubMed 29345414 (cited by Labcorp Genetics (formerly Invitae), Labcorp and Laboratory of Genetic Epidemiology, Research Centre for Medical Genetics); PubMed 34838614 (cited by Laboratory of Genetic Epidemiology, Research Centre for Medical Genetics and Women's Health and Genetics/Laboratory Corporation of America, LabCorp); PubMed 41428507 (cited by Laboratory of Genetic Epidemiology, Research Centre for Medical Genetics).